The following is an entry in ClinVar:

NM_014363.6(SACS):c.6186dup (p.Pro2063fs)

Gene: SACS (sacsin molecular chaperone; minus strand). Cytogenetic location: 13q12.12.
Variant type: Duplication.
Coding change: c.6186dup on transcript NM_014363.6 (MANE Select); coding-DNA position 6186, one base duplicated (T; older notation c.6186dupT).
Protein change: p.Pro2063fs; shifts the reading frame from proline 2063.
Molecular consequence: frameshift variant.
Genome position (GRCh38, 1-based): chr13:23,337,690, A duplicated on the plus strand (T on the coding strand, the reverse complement: SACS is on the minus strand); the first of 6 consecutive A bases (chr13:23,337,690-23,337,695); duplicating any one gives the same sequence. VCF-style (leftmost placement, unchanged base first): chr13-23337689-G-GA. GRCh37 (hg19) VCF-style: chr13-23911828-G-GA.
Other names: c.5745dup, p.Pro1916fs (NM_001278055.2); c.6186dup (NM_014363.5); short protein forms P1916fs, P2063fs.
Identifiers: ClinVar variation 1331579 (VCV001331579.8), dbSNP rs2137611917, ClinGen allele CA645578252.

ClinVar aggregate classification (germline): Pathogenic/Likely pathogenic. Review status: criteria provided, multiple submitters, no conflicts (2 of 4 stars). 4 submissions from 4 submitters: Pathogenic (1); Likely pathogenic (3). Last evaluated 2025-05-14.

Conditions:
Charlevoix-Saguenay spastic ataxia (SACS). Also called: SPASTIC ATAXIA 6, AUTOSOMAL RECESSIVE; Spastic ataxia of Charlevoix-Saguenay; AUTOSOMAL RECESSIVE SPASTIC ATAXIA OF CHARLEVOIX-SAGUENAY. Identifiers: Orphanet 98, MedGen C1849140, MONDO:0010041, OMIM 270550.

Submissions (4):

Natera, Inc.
Classification: Likely pathogenic for Charlevoix-Saguenay type spastic ataxia. Last evaluated: 2025-05-14. Review status: criteria provided, single submitter. Criteria: Natera Variant Classification Schema (03/2026). Collection method: clinical testing. Allele origin: germline.
Comment: The c.6186dup variant in SACS is a frameshift variant predicted to shift the reading frame beginning at codon 2063 and leads to a stop codon 7 codons downstream. This variant is expected to result in nonsense mediated decay, truncation, or a dysfunctional protein product. This variant is rare in the general population with a frequency below the threshold expected for the associated phenotype(s). Given the available evidence, this variant is classified as Likely Pathogenic.

Baylor Genetics
Classification: Likely pathogenic for Charlevoix-Saguenay spastic ataxia. Last evaluated: 2023-08-14. Review status: criteria provided, single submitter. Criteria: ACMG Guidelines, 2015. Collection method: clinical testing. Allele origin: unknown.

PROSPAX: an integrated multimodal progression  chart in spastic ataxias, Center for Neurology; Hertie-Institute for Clinical Brain Research
Classification: Pathogenic for Charlevoix-Saguenay spastic ataxia. Last evaluated: 2022-01-01. Review status: criteria provided, single submitter. Criteria: ACMG Guidelines, 2015. Collection method: research. Allele origin: germline. Affected: yes. Observed: 1 variant allele, 1 compound heterozygote.

Greenwood Genetic Center Diagnostic Laboratories, Greenwood Genetic Center
Classification: Likely pathogenic. Last evaluated: 2021-02-15. Review status: criteria provided, single submitter. Criteria: ACMG Guidelines, 2015. Collection method: clinical testing. Allele origin: germline. Affected: yes.
Comment: PVS1, PM2